The following is an entry in ClinVar:

ClinVar aggregate classification (germline): Pathogenic. Review status: criteria provided, multiple submitters, no conflicts (2 of 4 stars). 2 submissions from 2 submitters: Pathogenic (2). Last evaluated 2026-01-28.

Conditions:
Pheochromocytoma/paraganglioma syndrome 4. Also called: PARAGANGLIOMA, FAMILIAL MALIGNANT; PARAGANGLIOMAS, HEREDITARY EXTRAADRENAL; PHEOCHROMOCYTOMA, FAMILIAL EXTRAADRENAL; Paragangliomas 4; CAROTID BODY TUMORS AND MULTIPLE EXTRAADRENAL PHEOCHROMOCYTOMAS; SDHB-Related Hereditary Paraganglioma-Pheochromocytoma Syndrome (Paragangliomas 4). Identifiers: Orphanet 29072, MedGen C1861848, MONDO:0007273, OMIM 115310.
Gastrointestinal stromal tumor. Also called: Gastrointestinal stroma tumor; Gastrointestinal stromal tumor, somatic. Identifiers: Orphanet 44890, MedGen C0238198, MeSH D046152, MONDO:0011719, OMIM 606764, HP:0100723.
Pheochromocytoma. Also called: MAX-Related Hereditary Paraganglioma-Pheochromocytoma Syndrome. Identifiers: Orphanet 29072, MedGen C0031511, MONDO:0008233, OMIM 171300, HP:0002666.
Hereditary cancer-predisposing syndrome. Also called: Neoplastic Syndromes, Hereditary; Hereditary Cancer Syndrome; Hereditary neoplastic syndrome; Tumor predisposition. Identifiers: Orphanet 140162, MedGen C0027672, MeSH D009386, MONDO:0015356.

Submissions (2):

Ambry Genetics
Classification: Pathogenic for Hereditary cancer-predisposing syndrome. Last evaluated: 2026-01-28. Review status: criteria provided, single submitter. Criteria: Ambry Variant Classification Scheme 2023. Collection method: clinical testing. Allele origin: germline.
Comment: The p.L65P pathogenic mutation (also known as c.194T>C), located in coding exon 2 of the SDHB gene, results from a T to C substitution at nucleotide position 194. The leucine at codon 65 is replaced by proline, an amino acid with similar properties. This variant was reported in individual(s) with features consistent with SDHB-related hereditary pheochromocytoma-paraganglioma (Neumann HP et al. JAMA, 2004 Aug;292:943-51; Bayley JP et al. J Med Genet, 2020 Feb;57:96-103; Choi YM et al. Cancers (Basel), 2021 May;13). In an assay testing SDHB function, this variant showed a functionally abnormal result (Lee S et al. J Clin Invest, 2025 Nov). This amino acid position is highly conserved in available vertebrate species. In addition, this alteration is predicted to be deleterious by in silico analysis. Based on the supporting evidence, this variant is interpreted as a disease-causing mutation.

Labcorp Genetics (formerly Invitae), Labcorp
Classification: Pathogenic for Gastrointestinal stromal tumor; Pheochromocytoma/paraganglioma syndrome 4; Pheochromocytoma. Last evaluated: 2023-12-17. Review status: criteria provided, single submitter. Criteria: Invitae Variant Classification Sherloc (09022015). Collection method: clinical testing. Allele origin: germline.
Comment: This sequence change replaces leucine, which is neutral and non-polar, with proline, which is neutral and non-polar, at codon 65 of the SDHB protein (p.Leu65Pro). This variant is not present in population databases (gnomAD no frequency). This missense change has been observed in individuals with gastrointestinal stromal tumor, paraganglioma, and/or pheochromocytoma (PMID: 15328326; Invitae). ClinVar contains an entry for this variant (Variation ID: 412457). Advanced modeling of protein sequence and biophysical properties (such as structural, functional, and spatial information, amino acid conservation, physicochemical variation, residue mobility, and thermodynamic stability) performed at Invitae indicates that this missense variant is not expected to disrupt SDHB protein function with a negative predictive value of 80%. Experimental studies have shown that this missense change affects SDHB function (PMID: 22835832). This variant disrupts the p.Leu65 amino acid residue in SDHB. Other variant(s) that disrupt this residue have been observed in individuals with SDHB-related conditions (Invitae), which suggests that this may be a clinically significant amino acid residue. For these reasons, this variant has been classified as Pathogenic.

Literature cited by the submitters: PubMed 15328326 (cited by Ambry Genetics and Labcorp Genetics (formerly Invitae), Labcorp); PubMed 31492822 (cited by Ambry Genetics); PubMed 34069252 (cited by Ambry Genetics); PubMed 41252211 (cited by Ambry Genetics); PubMed 22835832 (cited by Labcorp Genetics (formerly Invitae), Labcorp).

NM_003000.3(SDHB):c.194T>C (p.Leu65Pro)

Gene: SDHB (succinate dehydrogenase complex iron sulfur subunit B; minus strand). Cytogenetic location: 1p36.13.
Variant type: single nucleotide variant.
Coding change: c.194T>C on transcript NM_003000.3 (MANE Select); coding-DNA position 194, T replaced by C.
Protein change: p.Leu65Pro; replaces leucine 65 with proline.
Molecular consequence: missense variant.
Genome position (GRCh38, 1-based): chr1:17,044,767, A>G on the plus strand (T>C on the coding strand, the complement: SDHB is on the minus strand). VCF-style: chr1-17044767-A-G. GRCh37 (hg19) VCF-style: chr1-17371262-A-G.
Other names: short protein forms L65P.
Identifiers: ClinVar variation 412457 (VCV000412457.9), dbSNP rs876659329, ClinGen allele CA16609949.